The following is an entry in ClinVar:

NM_006017.3(PROM1):c.1765G>T (p.Glu589Ter)

Gene: PROM1 (prominin 1; minus strand). Cytogenetic location: 4p15.32.
Variant type: single nucleotide variant.
Coding change: c.1765G>T on transcript NM_006017.3 (MANE Select); coding-DNA position 1765, G replaced by T.
Protein change: p.Glu589Ter; replaces glutamic acid 589 with a stop codon.
Molecular consequence: nonsense. On other transcripts: non-coding transcript variant (2).
Genome position (GRCh38, 1-based): chr4:15,993,989, C>A on the plus strand (G>T on the coding strand, the complement: PROM1 is on the minus strand). VCF-style: chr4-15993989-C-A. GRCh37 (hg19) VCF-style: chr4-15995612-C-A.
Other names: c.1738G>T, p.Glu580Ter (NM_001145847.2, NM_001145848.2, NM_001145851.2 and 9 more transcripts); c.1765G>T, p.Glu589Ter (NM_001145849.2, NM_001145850.2); c.1654G>T, p.Glu552Ter (NM_001441174.1); c.1399G>T, p.Glu467Ter (NM_001441179.1); short protein forms E467*, E552*, E580*, E589*.
Identifiers: ClinVar variation 4812240 (VCV004812240.1).
Genomic context (GRCh38, chr4:15,993,989, plus strand): 5'-GACACCTAGATTTGGTGAAGGAATGTGTTATGTCGATTCCATGACGAGTTCTAATTACCT[C>A]ATTAATGTTGAGATGTTCACTGATATTGAAGCTGTTCTGCAGGTGAAGAGTGCCGTAAGT-3'

ClinVar aggregate classification (germline): Pathogenic (1 of 4 stars; one submission).

Submission:

Labcorp Genetics (formerly Invitae), Labcorp
Classification: Pathogenic. Last evaluated: 2025-09-29. Review status: criteria provided, single submitter. Criteria: Invitae Variant Classification Sherloc (09022015). Collection method: clinical testing. Allele origin: germline.
Comment: This sequence change creates a premature translational stop signal (p.Glu589*) in the PROM1 gene. It is expected to result in an absent or disrupted protein product. Loss-of-function variants in PROM1 are known to be pathogenic (PMID: 17605048, 19718270, 24154662, 25474345). This variant is not present in population databases (gnomAD no frequency). This variant has not been reported in the literature in individuals affected with PROM1-related conditions. For these reasons, this variant has been classified as Pathogenic.

Literature cited by the submitters: PubMed 17605048; PubMed 19718270; PubMed 24154662; PubMed 25474345.